The following is an entry in ClinVar:

NM_004360.5(CDH1):c.835A>G (p.Thr279Ala)

Gene: CDH1 (cadherin 1; plus strand). Cytogenetic location: 16q22.1.
Variant type: single nucleotide variant.
Coding change: c.835A>G on transcript NM_004360.5 (MANE Select); coding-DNA position 835, A replaced by G.
Protein change: p.Thr279Ala; replaces threonine 279 with alanine.
Molecular consequence: missense variant. On other transcripts: 5 prime UTR variant (2).
Genome position (GRCh38, 1-based): chr16:68,811,686, A>G. VCF-style: chr16-68811686-A-G. GRCh37 (hg19) VCF-style: chr16-68845589-A-G.
Other names: c.-985A>G (NM_001317186.2); c.835A>G (NM_004360.4); c.835A>G, p.Thr279Ala (NM_001317184.2); c.-781A>G (NM_001317185.2); short protein forms T279A.
Identifiers: ClinVar variation 1763068 (VCV001763068.3), dbSNP rs1444822940, ClinGen allele CA396459542.

ClinVar aggregate classification (germline): Uncertain significance. Review status: criteria provided, multiple submitters, no conflicts (2 of 4 stars). 2 submissions from 2 submitters: Uncertain significance (2). Last evaluated 2022-08-01.

Conditions:
Hereditary cancer-predisposing syndrome. Also called: Neoplastic Syndromes, Hereditary; Tumor predisposition; Hereditary neoplastic syndrome; Hereditary Cancer Syndrome. Identifiers: Orphanet 140162, MedGen C0027672, MeSH D009386, MONDO:0015356.
Hereditary diffuse gastric adenocarcinoma (HDGC). Also called: DIFFUSE GASTRIC AND LOBULAR BREAST CANCER SYNDROME. Identifiers: Orphanet 26106, MedGen C1708349, MONDO:0007648, OMIM 137215.

Allele frequency attached by ClinVar (database versions not stated): gnomAD exomes 0.00001.
gnomAD v4.1: 8 of 1,613,902 alleles (0.0005%); highest among the groups gnomAD compares: Non-Finnish European, 0.00068%; no homozygotes.

Submissions (2):

European Reference Network on Genetic Tumour Risk Syndromes (ERN-GENTURIS), i3s - Instituto de Investigação e Inovação em Saúde, University of Porto
Classification: Uncertain significance for Hereditary diffuse gastric adenocarcinoma. Last evaluated: 2022-08-01. Review status: criteria provided, single submitter. Criteria: Lee et al. (Hum Mutat. 2018). Collection method: clinical testing. Allele origin: germline. Inheritance: Autosomal dominant inheritance. Affected: no. Study: ERN GENTURIS.
Comment: PM2 (PMID: 30311375)

Ambry Genetics
Classification: Uncertain significance for Hereditary cancer-predisposing syndrome. Last evaluated: 2022-06-01. Review status: criteria provided, single submitter. Criteria: Ambry Variant Classification Scheme 2023. Collection method: clinical testing. Allele origin: germline.
Comment: The p.T279A variant (also known as c.835A>G), located in coding exon 7 of the CDH1 gene, results from an A to G substitution at nucleotide position 835. The threonine at codon 279 is replaced by alanine, an amino acid with similar properties. This amino acid position is conserved. In addition, the in silico prediction for this alteration is inconclusive. Since supporting evidence is limited at this time, the clinical significance of this alteration remains unclear.

Literature cited by the submitters: PubMed 36436516 (cited by European Reference Network on Genetic Tumour Risk Syndromes (ERN-GENTURIS), i3s - Instituto de Investigação e Inovação em Saúde, University of Porto).